The following is an entry in ClinVar:

ClinVar aggregate classification (germline): Uncertain significance (1 of 4 stars; one submission).

Conditions:
Inborn genetic diseases. Identifiers: MedGen C0950123, MeSH D030342.

gnomAD v4.1: 1 of 1,614,104 alleles (0.000062%); highest among the groups gnomAD compares: Non-Finnish European, 0.000085%; no homozygotes.

Submission:

Ambry Genetics
Classification: Uncertain significance for Inborn genetic diseases. Last evaluated: 2025-05-15. Review status: criteria provided, single submitter. Criteria: Ambry Variant Classification Scheme 2023. Collection method: clinical testing. Allele origin: germline.
Comment: The p.L200V variant (also known as c.598C>G), located in coding exon 5 of the BMPR2 gene, results from a C to G substitution at nucleotide position 598. The leucine at codon 200 is replaced by valine, an amino acid with highly similar properties. This amino acid position is conserved. In addition, the in silico prediction for this alteration is inconclusive. Based on the available evidence, the clinical significance of this variant remains unclear.

NM_001204.7(BMPR2):c.598C>G (p.Leu200Val)

Gene: BMPR2 (bone morphogenetic protein receptor type 2; plus strand). Cytogenetic location: 2q33.2.
Variant type: single nucleotide variant.
Coding change: c.598C>G on transcript NM_001204.7 (MANE Select); coding-DNA position 598, C replaced by G.
Protein change: p.Leu200Val; replaces leucine 200 with valine.
Molecular consequence: missense variant.
Genome position (GRCh38, 1-based): chr2:202,514,956, C>G. VCF-style: chr2-202514956-C-G. GRCh37 (hg19) VCF-style: chr2-203379679-C-G.
Other names: short protein forms L200V.
Identifiers: ClinVar variation 3992164 (VCV003992164.1).